The following is an entry in ClinVar:

NM_206996.4(SPAG17):c.1602C>T (p.Tyr534=)

Gene: SPAG17 (sperm associated antigen 17; minus strand). Cytogenetic location: 1p12.
Variant type: single nucleotide variant.
Coding change: c.1602C>T on transcript NM_206996.4 (MANE Select); coding-DNA position 1602, C replaced by T.
Protein change: p.Tyr534=; no amino-acid change (tyrosine 534 retained).
Molecular consequence: synonymous variant.
Genome position (GRCh38, 1-based): chr1:118,086,680, G>A on the plus strand (C>T on the coding strand, the complement: SPAG17 is on the minus strand). VCF-style: chr1-118086680-G-A. GRCh37 (hg19) VCF-style: chr1-118629303-G-A.
Identifiers: ClinVar variation 3049034 (VCV003049034.2), dbSNP rs138581446, ClinGen allele CA1034253.
Genomic context (GRCh38, chr1:118,086,680, plus strand): 5'-AAACACACTTTCCCACATCGGTTTTCCTTGGGCTAACCTGATTATTATTACCTGTAGTGC[G>A]TACTTCTTGTGGGCGTGTGCATCATGATAGTTCAGTAGGAGGGGGCCTTTGGGCACTGCT-3'
Protein context (NP_996879.1, residues 524-544): NYHDAHAHKK[Tyr534=]ALQDQKNFDP

ClinVar aggregate classification (germline): Likely benign (0 of 4 stars; one submission).

Conditions:
SPAG17-related disorder. Also called: SPAG17-related condition.

Allele frequency attached by ClinVar (database versions not stated): 1000 Genomes Project 30x 0.00047; 1000 Genomes Project 0.00060; gnomAD 0.00074; TOPMed 0.00084; ESP Exome Variant Server 0.00131.
gnomAD v4.1: 239 of 1,613,956 alleles (0.015%); highest among the groups gnomAD compares: African/African-American, 0.22%; 1 homozygote.

Submission:

PreventionGenetics, part of Exact Sciences
Classification: Likely benign for SPAG17-related condition. Last evaluated: 2020-02-17. Review status: no assertion criteria provided. Collection method: clinical testing. Allele origin: germline.
Comment: This variant is classified as likely benign based on ACMG/AMP sequence variant interpretation guidelines (Richards et al. 2015 PMID: 25741868, with internal and published modifications).